The following is an entry in ClinVar:

ClinVar aggregate classification (germline): Uncertain significance. Review status: criteria provided, multiple submitters, no conflicts (2 of 4 stars). 2 submissions from 2 submitters: Uncertain significance (2). Last evaluated 2025-07-14.

Allele frequency attached by ClinVar (database versions not stated): gnomAD exomes 0.00001; ExAC 0.00002; gnomAD 0.00002; ESP Exome Variant Server 0.00008.
gnomAD v4.1: 24 of 1,610,312 alleles (0.0015%); highest among the groups gnomAD compares: African/African-American, 0.0027%; no homozygotes.

Submissions (2):

Ambry Genetics
Classification: Uncertain significance. Last evaluated: 2025-07-14. Review status: criteria provided, single submitter. Criteria: Ambry Variant Classification Scheme 2023. Collection method: clinical testing. Allele origin: germline.

CeGaT Center for Human Genetics Tuebingen
Classification: Uncertain significance. Last evaluated: 2023-10-01. Review status: criteria provided, single submitter. Criteria: CeGaT Center For Human Genetics Tuebingen Variant Classification Criteria Version 2. Collection method: clinical testing. Allele origin: germline. Affected: yes. Observed: 1 variant allele.
Comment: NLRC3: PM2, BP4

NM_178844.4(NLRC3):c.37G>A (p.Gly13Ser)

Gene: NLRC3 (NLR family CARD domain containing 3; minus strand). Cytogenetic location: 16p13.3.
Variant type: single nucleotide variant.
Coding change: c.37G>A on transcript NM_178844.4 (MANE Select); coding-DNA position 37, G replaced by A.
Protein change: p.Gly13Ser; replaces glycine 13 with serine.
Molecular consequence: missense variant. On other transcripts: non-coding transcript variant (1).
Genome position (GRCh38, 1-based): chr16:3,565,000, C>T on the plus strand (G>A on the coding strand, the complement: NLRC3 is on the minus strand). VCF-style: chr16-3565000-C-T. GRCh37 (hg19) VCF-style: chr16-3615001-C-T.
Other names: c.37G>A (NM_178844.2); short protein forms G13S.
Identifiers: ClinVar variation 2646112 (VCV002646112.25), dbSNP rs373378033, ClinGen allele CA7865218.